The following is an entry in ClinVar:

NM_020632.3(ATP6V0A4):c.1614G>A (p.Ser538=)

Gene: ATP6V0A4 (ATPase H+ transporting V0 subunit a4; minus strand). Cytogenetic location: 7q34.
Variant type: single nucleotide variant.
Coding change: c.1614G>A on transcript NM_020632.3 (MANE Select); coding-DNA position 1614, G replaced by A.
Protein change: p.Ser538=; no amino-acid change (serine 538 retained).
Molecular consequence: synonymous variant.
Genome position (GRCh38, 1-based): chr7:138,734,213, C>T on the plus strand (G>A on the coding strand, the complement: ATP6V0A4 is on the minus strand). VCF-style: chr7-138734213-C-T. GRCh37 (hg19) VCF-style: chr7-138418958-C-T.
Other names: c.1614G>A, p.Ser538= (NM_130840.3, NM_130841.3); c.1614G>A (NM_020632.2).
Identifiers: ClinVar variation 4084452 (VCV004084452.11).

ClinVar aggregate classification (germline): Likely benign. Review status: criteria provided, multiple submitters, no conflicts (2 of 4 stars). 4 submissions from 4 submitters: Likely benign (4). Last evaluated 2026-05-10.

Conditions:
ATP6V0A4-related disorder. Also called: ATP6V0A4-related condition.

gnomAD v4.1: 99 of 1,613,436 alleles (0.0061%); highest among the groups gnomAD compares: East Asian, 0.074%; no homozygotes.

Submissions (4):

PreventionGenetics, part of Exact Sciences
Classification: Likely benign for ATP6V0A4-related condition. Last evaluated: 2026-05-10. Review status: criteria provided, single submitter. Criteria: ACMG Guidelines, 2015. Collection method: clinical testing. Allele origin: germline.
Comment: This variant is classified as likely benign based on ACMG/AMP sequence variant interpretation guidelines (Richards et al. 2015 PMID: 25741868, with internal and published modifications).

Labcorp Genetics (formerly Invitae), Labcorp
Classification: Likely benign. Last evaluated: 2026-02-04. Review status: criteria provided, single submitter. Criteria: Invitae Variant Classification Sherloc (09022015). Collection method: clinical testing. Allele origin: germline.

CeGaT Center for Human Genetics Tuebingen
Classification: Likely benign. Last evaluated: 2025-07-01. Review status: criteria provided, single submitter. Criteria: CeGaT Center For Human Genetics Tuebingen Variant Classification Criteria Version 2. Collection method: clinical testing. Allele origin: germline. Affected: yes. Observed: 1 variant allele.
Comment: ATP6V0A4: BP4, BP7

Blueprint Genetics
Classification: Likely benign. Last evaluated: 2024-03-05. Review status: criteria provided, single submitter. Criteria: ACMG Guidelines, 2015. Collection method: clinical testing. Allele origin: germline.